The following is an entry in ClinVar:

NM_000088.4(COL1A1):c.4006-40G>A

Gene: COL1A1 (collagen type I alpha 1 chain; minus strand). Cytogenetic location: 17q21.33.
Variant type: single nucleotide variant.
Coding change: c.4006-40G>A on transcript NM_000088.4 (MANE Select); 40 bases into the intron before coding-DNA position 4006, G replaced by A.
Molecular consequence: intron variant.
Genome position (GRCh38, 1-based): chr17:50,186,060, C>T on the plus strand (G>A on the coding strand, the complement: COL1A1 is on the minus strand). VCF-style: chr17-50186060-C-T. GRCh37 (hg19) VCF-style: chr17-48263421-C-T.
Identifiers: ClinVar variation 3043537 (VCV003043537.2), dbSNP rs184720839, ClinGen allele CA8644286.

ClinVar aggregate classification (germline): Likely benign (0 of 4 stars; one submission).

Conditions:
COL1A1-related disorder. Also called: COL1A1- related disease; COL1A1-related condition.

Allele frequency attached by ClinVar (database versions not stated): gnomAD 0.00002; ExAC 0.00003; TOPMed 0.00003; 1000 Genomes Project 30x 0.00016; 1000 Genomes Project 0.00020.
gnomAD v4.1: 28 of 1,607,376 alleles (0.0017%); highest among the groups gnomAD compares: Middle Eastern, 0.086%; no homozygotes.

Submission:

PreventionGenetics, part of Exact Sciences
Classification: Likely benign for COL1A1-related condition. Last evaluated: 2019-06-27. Review status: no assertion criteria provided. Collection method: clinical testing. Allele origin: germline.
Comment: This variant is classified as likely benign based on ACMG/AMP sequence variant interpretation guidelines (Richards et al. 2015 PMID: 25741868, with internal and published modifications).